The following is an entry in ClinVar:

NM_001135651.3(EIF2AK2):c.1130G>A (p.Trp377Ter)

Gene: EIF2AK2 (eukaryotic translation initiation factor 2 alpha kinase 2; minus strand). Cytogenetic location: 2p22.2.
Variant type: single nucleotide variant.
Coding change: c.1130G>A on transcript NM_001135651.3 (MANE Select); coding-DNA position 1130, G replaced by A.
Protein change: p.Trp377Ter; replaces tryptophan 377 with a stop codon.
Molecular consequence: nonsense.
Genome position (GRCh38, 1-based): chr2:37,120,077, C>T on the plus strand (G>A on the coding strand, the complement: EIF2AK2 is on the minus strand). VCF-style: chr2-37120077-C-T. GRCh37 (hg19) VCF-style: chr2-37347220-C-T.
Other names: c.1007G>A, p.Trp336Ter (NM_001135652.3); c.1130G>A, p.Trp377Ter (NM_002759.4); short protein forms W336*, W377*.
Identifiers: ClinVar variation 5008085 (VCV005008085.1).

ClinVar aggregate classification (germline): Uncertain significance (1 of 4 stars; one submission).

Submission:

GeneDx
Classification: Uncertain significance. Last evaluated: 2026-03-02. Review status: criteria provided, single submitter. Criteria: GeneDx Variant Classification Process June 2021. Collection method: clinical testing. Allele origin: germline.
Comment: Not observed at significant frequency in large population cohorts (gnomAD); Nonsense variant predicted to result in protein truncation or nonsense mediated decay in a gene or region of a gene for which loss of function is not an established mechanism of disease; Has not been previously published as pathogenic or benign to our knowledge